The following is an entry in ClinVar:

ClinVar aggregate classification (germline): Uncertain significance (1 of 4 stars; one submission).

Conditions:
Townes syndrome (TBS). Also called: Townes-Brocks syndrome. Identifiers: Orphanet 857, MedGen C0265246, MeSH C536974, MONDO:0007142.

Allele frequency attached by ClinVar (database versions not stated): ExAC 0.00001; gnomAD 0.00003.
gnomAD v4.1: 35 of 1,609,494 alleles (0.0022%); highest among the groups gnomAD compares: African/African-American, 0.0027%; no homozygotes.

Submission:

Labcorp Genetics (formerly Invitae), Labcorp
Classification: Uncertain significance for Townes syndrome. Last evaluated: 2025-04-18. Review status: criteria provided, single submitter. Criteria: Invitae Variant Classification Sherloc (09022015). Collection method: clinical testing. Allele origin: germline.
Comment: This sequence change replaces glycine, which is neutral and non-polar, with serine, which is neutral and polar, at codon 161 of the SALL1 protein (p.Gly161Ser). The frequency data for this variant in the population databases is considered unreliable, as metrics indicate poor data quality at this position in the gnomAD database. This variant has not been reported in the literature in individuals affected with SALL1-related conditions. ClinVar contains an entry for this variant (Variation ID: 2070448). Invitae Evidence Modeling of protein sequence and biophysical properties (such as structural, functional, and spatial information, amino acid conservation, physicochemical variation, residue mobility, and thermodynamic stability) indicates that this missense variant is not expected to disrupt SALL1 protein function with a negative predictive value of 80%. In summary, the available evidence is currently insufficient to determine the role of this variant in disease. Therefore, it has been classified as a Variant of Uncertain Significance.

NM_002968.3(SALL1):c.481G>A (p.Gly161Ser)

Gene: SALL1 (spalt like transcription factor 1; minus strand). Cytogenetic location: 16q12.1.
Variant type: single nucleotide variant.
Coding change: c.481G>A on transcript NM_002968.3 (MANE Select); coding-DNA position 481, G replaced by A.
Protein change: p.Gly161Ser; replaces glycine 161 with serine.
Molecular consequence: missense variant.
Genome position (GRCh38, 1-based): chr16:51,141,741, C>T on the plus strand (G>A on the coding strand, the complement: SALL1 is on the minus strand). VCF-style: chr16-51141741-C-T. GRCh37 (hg19) VCF-style: chr16-51175652-C-T.
Other names: c.190G>A, p.Gly64Ser (NM_001127892.2); short protein forms G161S, G64S.
Identifiers: ClinVar variation 2070448 (VCV002070448.4), dbSNP rs758651425, ClinGen allele CA8053459.